The following is an entry in ClinVar:

ClinVar aggregate classification (germline): Uncertain significance (1 of 4 stars; one submission).

Conditions:
Cystic fibrosis (CF). Also called: MUCOVISCIDOSIS. Identifiers: Orphanet 586, MedGen C0010674, MONDO:0009061, OMIM 219700. Disease mechanism: loss of function.

Submission:

Ambry Genetics
Classification: Uncertain significance for Cystic fibrosis. Last evaluated: 2025-05-16. Review status: criteria provided, single submitter. Criteria: Ambry Variant Classification Scheme 2023. Collection method: clinical testing. Allele origin: germline.
Comment: The p.L1449F variant (also known as c.4345C>T), located in coding exon 27 of the CFTR gene, results from a C to T substitution at nucleotide position 4345. The leucine at codon 1449 is replaced by phenylalanine, an amino acid with highly similar properties. This amino acid position is conserved. In addition, this alteration is predicted to be tolerated by in silico analysis. Based on the available evidence, the clinical significance of this variant remains unclear.

NM_000492.4(CFTR):c.4345C>T (p.Leu1449Phe)

Genes: CFTR (CF transmembrane conductance regulator; plus strand), LOC111674477 (CFTR intron 23 enhancer; plus strand). Cytogenetic location: 7q31.2.
Variant type: single nucleotide variant.
Coding change: c.4345C>T on transcript NM_000492.4 (MANE Select); coding-DNA position 4345, C replaced by T.
Protein change: p.Leu1449Phe; replaces leucine 1449 with phenylalanine.
Molecular consequence: missense variant.
Genome position (GRCh38, 1-based): chr7:117,667,010, C>T. VCF-style: chr7-117667010-C-T. GRCh37 (hg19) VCF-style: chr7-117307064-C-T.
Other names: short protein forms L1449F.
Identifiers: ClinVar variation 4001862 (VCV004001862.1).